The following is an entry in ClinVar:

NM_000059.4(BRCA2):c.1553dup (p.Ser519fs)

Gene: BRCA2 (BRCA2 DNA repair associated; plus strand). Cytogenetic location: 13q13.1.
Variant type: Duplication.
Coding change: c.1553dup on transcript NM_000059.4 (MANE Select); coding-DNA position 1553, one base duplicated (C; older notation c.1553dupC).
Protein change: p.Ser519fs; shifts the reading frame from serine 519.
Molecular consequence: frameshift variant. On other transcripts: non-coding transcript variant (1), intron variant (1).
Genome position (GRCh38, 1-based): chr13:32,333,031, C duplicated. VCF-style (leftmost placement, unchanged base first): chr13-32333030-G-GC. GRCh37 (hg19) VCF-style: chr13-32907167-G-GC.
Other names: c.1553dup, p.Ser519fs (NM_001406719.1, NM_001406720.1, NM_001406721.1 and 1 more transcripts); c.424+2001dup (NM_001406722.1); c.1553dupC (NM_000059.3); short protein forms S519fs.
Identifiers: ClinVar variation 3482135 (VCV003482135.1).

ClinVar aggregate classification (germline): Pathogenic (1 of 4 stars; one submission).

Conditions:
Hereditary cancer-predisposing syndrome. Also called: Tumor predisposition; Neoplastic Syndromes, Hereditary; Hereditary Cancer Syndrome; Hereditary neoplastic syndrome. Identifiers: Orphanet 140162, MedGen C0027672, MeSH D009386, MONDO:0015356.

Submission:

Ambry Genetics
Classification: Pathogenic for Hereditary cancer-predisposing syndrome. Last evaluated: 2024-10-28. Review status: criteria provided, single submitter. Criteria: Ambry Variant Classification Scheme 2023. Collection method: clinical testing. Allele origin: germline.
Comment: The c.1553dupC pathogenic mutation, located in coding exon 9 of the BRCA2 gene, results from a duplication of C at nucleotide position 1553, causing a translational frameshift with a predicted alternate stop codon (p.S519Kfs*8). This variant is considered to be rare based on population cohorts in the Genome Aggregation Database (gnomAD). This alteration is expected to result in loss of function by premature protein truncation or nonsense-mediated mRNA decay. As such, this alteration is interpreted as a disease-causing mutation.